The following is an entry in ClinVar:

ClinVar aggregate classification (germline): Uncertain significance (1 of 4 stars; one submission).

Allele frequency attached by ClinVar (database versions not stated): gnomAD exomes below 0.00001; gnomAD 0.00001.
gnomAD v4.1: 3 of 1,613,772 alleles (0.00019%); highest among the groups gnomAD compares: Non-Finnish European, 0.00025%; no homozygotes.

Submission:

Labcorp Genetics (formerly Invitae), Labcorp
Classification: Uncertain significance. Last evaluated: 2024-10-16. Review status: criteria provided, single submitter. Criteria: Invitae Variant Classification Sherloc (09022015). Collection method: clinical testing. Allele origin: germline.
Comment: This sequence change replaces lysine, which is basic and polar, with asparagine, which is neutral and polar, at codon 345 of the FAM111A protein (p.Lys345Asn). This variant is not present in population databases (gnomAD no frequency). This variant has not been reported in the literature in individuals affected with FAM111A-related conditions. ClinVar contains an entry for this variant (Variation ID: 2088390). Invitae Evidence Modeling of protein sequence and biophysical properties (such as structural, functional, and spatial information, amino acid conservation, physicochemical variation, residue mobility, and thermodynamic stability) indicates that this missense variant is not expected to disrupt FAM111A protein function with a negative predictive value of 80%. In summary, the available evidence is currently insufficient to determine the role of this variant in disease. Therefore, it has been classified as a Variant of Uncertain Significance.

NM_001312909.2(FAM111A):c.1035A>C (p.Lys345Asn)

Genes: FAM111A (FAM111 trypsin like peptidase A; plus strand), LOC130005740 (ATAC-STARR-seq lymphoblastoid active region 4748; plus strand). Cytogenetic location: 11q12.1.
Variant type: single nucleotide variant.
Coding change: c.1035A>C on transcript NM_001312909.2 (MANE Select); coding-DNA position 1035, A replaced by C.
Protein change: p.Lys345Asn; replaces lysine 345 with asparagine.
Molecular consequence: missense variant.
Genome position (GRCh38, 1-based): chr11:59,152,703, A>C. VCF-style: chr11-59152703-A-C. GRCh37 (hg19) VCF-style: chr11-58920176-A-C.
Other names: c.1035A>C, p.Lys345Asn (NM_001142519.3, NM_001142520.3, NM_001142521.3 and 29 more transcripts); short protein forms K345N.
Identifiers: ClinVar variation 2088390 (VCV002088390.4), dbSNP rs1015901939, ClinGen allele CA380780335.
Genomic context (GRCh38, chr11:59,152,703, plus strand): 5'-ATTATTTGAATTGCATAGAACAACGTTTGGGAAAGTAACAAAAAATTCTTCTTCGATTAA[A>C]GTAGTGAAACTTCTTGTACGTCTCAGTGACTCAGTTGGGTACTTATTCTGGGACAGTGCA-3'
Protein context (NP_001299838.1, residues 335-355): GKVTKNSSSI[Lys345Asn]VVKLLVRLSD